The following is an entry in ClinVar:

ClinVar aggregate classification (germline): Conflicting classifications of pathogenicity. Review status: criteria provided, conflicting classifications (1 of 4 stars). 9 submissions from 9 submitters: Uncertain significance (3); Likely benign (6). Last evaluated 2025-10-24.

Conditions:
TTN-related disorder. Also called: TTN-related condition; TTN-related disease; TTN-related disorders.
Dilated cardiomyopathy 1G (CMD1G). Identifiers: Orphanet 154, MedGen C1858763, MONDO:0011400, OMIM 604145.
Autosomal recessive limb-girdle muscular dystrophy type 2J (LGMDR10). Also called: Limb-girdle muscular dystrophy, type 2J; MUSCULAR DYSTROPHY, LIMB-GIRDLE, AUTOSOMAL RECESSIVE 10. Identifiers: Orphanet 140922, MedGen C1837342, MONDO:0012127, OMIM 608807.
Myopathy, myofibrillar, 9, with early respiratory failure (MFM9). Also called: Hereditary myopathy with early respiratory failure; Myopathy, distal, with early respiratory failure, autosomal dominant; EDSTROM MYOPATHY; MYOPATHY, PROXIMAL, WITH EARLY RESPIRATORY MUSCLE INVOLVEMENT. Identifiers: Orphanet 178464, Orphanet 34521, MedGen C1863599, MONDO:0011362, OMIM 603689.
Tibial muscular dystrophy (TMD). Also called: Udd Distal Myopathy – Tibial Muscular Dystrophy; Tibial muscular dystrophy, tardive; UDD MYOPATHY. Identifiers: Orphanet 609, MedGen C1838244, MONDO:0010870, OMIM 600334.
Early-onset myopathy with fatal cardiomyopathy (CMYO5). Also called: Salih Myopathy; CONGENITAL MYOPATHY 5 WITH CARDIOMYOPATHY. Identifiers: Orphanet 289377, MedGen C2673677, MONDO:0012714, OMIM 611705. Disease mechanism: loss of function.
Hypertrophic cardiomyopathy 9. Also called: Familial hypertrophic cardiomyopathy 9. Identifiers: MedGen C1861065, MONDO:0013412, OMIM 613765.

Allele frequency attached by ClinVar (database versions not stated): ESP Exome Variant Server 0.00008; gnomAD 0.00028 and 0.00029; ExAC 0.00030; gnomAD exomes 0.00031 and 0.00057; TOPMed 0.00036; 1000 Genomes Project 0.00040; 1000 Genomes Project 30x 0.00047.

Submissions (9):

PreventionGenetics, part of Exact Sciences
Classification: Likely benign for TTN-related condition. Last evaluated: 2025-10-24. Review status: criteria provided, single submitter. Criteria: ACMG Guidelines, 2015. Collection method: clinical testing. Allele origin: germline.
Comment: This variant is classified as likely benign based on ACMG/AMP sequence variant interpretation guidelines (Richards et al. 2015 PMID: 25741868, with internal and published modifications).

Molecular Diagnostic Laboratory for Inherited Cardiovascular Disease, Montreal Heart Institute
Classification: Likely benign. Last evaluated: 2025-04-09. Review status: criteria provided, single submitter. Criteria: ACMG Guidelines, 2015. Collection method: clinical testing. Allele origin: germline. Affected: no.
Comment: BP1

CeGaT Center for Human Genetics Tuebingen
Classification: Uncertain significance. Last evaluated: 2025-03-01. Review status: criteria provided, single submitter. Criteria: CeGaT Center For Human Genetics Tuebingen Variant Classification Criteria Version 2. Collection method: clinical testing. Allele origin: germline. Affected: yes. Observed: 1 variant allele.
Comment: TTN: PM2, BP4

Blueprint Genetics
Classification: Likely benign. Last evaluated: 2024-11-22. Review status: criteria provided, single submitter. Criteria: ACMG Guidelines, 2015. Collection method: clinical testing. Allele origin: germline.

Department of Pathology and Laboratory Medicine, Sinai Health System
Classification: Uncertain significance for Tibial muscular dystrophy; Myopathy, myofibrillar, 9, with early respiratory failure; Dilated cardiomyopathy 1G; Autosomal recessive limb-girdle muscular dystrophy type 2J; Early-onset myopathy with fatal cardiomyopathy; Hypertrophic cardiomyopathy 9. Last evaluated: 2022-02-03. Review status: criteria provided, single submitter. Criteria: ACMG Guidelines, 2015. Collection method: research. Allele origin: germline.

GeneDx
Classification: Likely benign. Last evaluated: 2019-01-29. Review status: criteria provided, single submitter. Criteria: GeneDx Variant Classification Process June 2021. Collection method: clinical testing. Allele origin: germline. Affected: yes.
Comment: Identified in a large cohort of individuals with dilated cardiomyopathy; however, no details are provided (Haas et al., 2015); Observed in 0.0454% (57/125522) of alleles from individuals of European (non-Finnish) background in large population cohorts (Lek et al., 2016); Missense variant in a gene in which most reported pathogenic variants are truncating/loss-of-function; In silico analysis, which includes splice predictors and evolutionary conservation, supports that this variant does not alter protein structure/function; This variant is associated with the following publications: (PMID: 25163546)

Laboratory for Molecular Medicine, Mass General Brigham Personalized Medicine
Classification: Likely benign. Last evaluated: 2018-08-16. Review status: criteria provided, single submitter. Criteria: LMM Criteria. Collection method: clinical testing. Allele origin: germline. Observed: 2 variant alleles.
Comment: p.Ala4375Ser in exon 45A of TTN: This variant is not expected to have clinical s ignificance because it has been identified in 0.05% (57/125522) of European chro mosomes by the Genome Aggregation Database (gnomAD .org; dbSNP rs72647902). In addition, this variant is located in an exon that is only present in an alternate transcript (Novex-3), whose function is unclear. A CMG/AMP Criteria applied: BS1; BP4.

Eurofins Ntd Llc (ga)
Classification: Uncertain significance. Last evaluated: 2017-11-14. Review status: criteria provided, single submitter. Criteria: EGL Classification Definitions 2015. Collection method: clinical testing. Allele origin: germline. Observed: 3 variant alleles, 3 heterozygotes.

Biesecker Lab/Clinical Genomics Section, National Institutes of Health
Classification: Likely benign. Last evaluated: 2013-06-24. Review status: criteria provided, single submitter. Criteria: Ng et al. (Circ Cardiovasc Genet. 2013). Collection method: research. Allele origin: unknown. Observed: 2 variant alleles. Study: ClinSeq.
Comment: The study set was not selected for affection status in relation to any cancer. Pathogenicity categories were based on literature curation. See Pubmed ID:23861362 for details.

Medical sequencing

NM_133379.5(TTN):c.13123G>T (p.Ala4375Ser)

Gene: TTN (titin; minus strand). Cytogenetic location: 2q31.2.
Variant type: single nucleotide variant.
Coding change: c.13123G>T on transcript NM_133379.5; coding-DNA position 13123, G replaced by T.
Protein change: p.Ala4375Ser; replaces alanine 4375 with serine.
Molecular consequence: missense variant. On other transcripts: intron variant (6).
Genome position (GRCh38, 1-based): chr2:178,749,277, C>A on the plus strand (G>T on the coding strand, the complement: TTN is on the minus strand). VCF-style: chr2-178749277-C-A. GRCh37 (hg19) VCF-style: chr2-179614004-C-A.
Other names: p.A4375S:GCA>TCA; c.10360+3847G>T (NM_133378.4, NM_001256850.1); c.10222+3847G>T (NM_003319.4); c.10798+3847G>T (NM_133437.4); c.10597+3847G>T (NM_133432.3); c.11311+3847G>T (NM_001267550.2); c.13123G>T (NM_133379.4); short protein forms A4375S.
Identifiers: ClinVar variation 47748 (VCV000047748.47), dbSNP rs72647902, ClinGen allele CA141823.